The following is an entry in ClinVar:

ClinVar aggregate classification (germline): Benign. Review status: criteria provided, multiple submitters, no conflicts (2 of 4 stars). 3 submissions from 3 submitters: Benign (3). Last evaluated 2018-11-10.

Conditions:
Autosomal recessive congenital ichthyosis 2 (ARCI2). Identifiers: Orphanet 281122, Orphanet 79394, MedGen C3888093, MONDO:0009439, OMIM 242100.

Allele frequency attached by ClinVar (database versions not stated): 1000 Genomes Project 0.38139; 1000 Genomes Project 30x 0.38710; gnomAD exomes 0.41152; gnomAD 0.41201 and 0.41263; TOPMed 0.39688.
gnomAD v4.1: 531,971 of 1,293,520 alleles (41%); highest among the groups gnomAD compares: South Asian, 45%; 110,671 homozygotes.

Submissions (3):

GeneDx
Classification: Benign. Last evaluated: 2018-11-10. Review status: criteria provided, single submitter. Criteria: GeneDx Variant Classification Process June 2021. Collection method: clinical testing. Allele origin: germline. Affected: yes.

Illumina Laboratory Services, Illumina
Classification: Benign for Autosomal recessive congenital ichthyosis 2. Last evaluated: 2018-01-12. Review status: criteria provided, single submitter. Criteria: ICSL Variant Classification Criteria 13 December 2019. Collection method: clinical testing. Allele origin: germline.
Comment: This variant was observed in the ICSL laboratory as part of a predisposition screen in an ostensibly healthy population. It had not been previously curated by ICSL or reported in the Human Gene Mutation Database (HGMD: prior to June 1st, 2018), and was therefore a candidate for classification through an automated scoring system. Utilizing variant allele frequency, disease prevalence and penetrance estimates, and inheritance mode, an automated score was calculated to assess if this variant is too frequent to cause the disease. Based on the score and internal cut-off values, a variant classified as benign is not then subjected to further curation. The score for this variant resulted in a classification of benign for this disease.

Breakthrough Genomics
Classification: Benign. Review status: criteria provided, single submitter. Criteria: ACMG Guidelines, 2015. Collection method: not provided. Allele origin: germline. Inheritance: Autosomal recessive inheritance. Affected: yes.

NM_001139.3(ALOX12B):c.-155T>C

Gene: ALOX12B (arachidonate 12-lipoxygenase, 12R type; minus strand). Cytogenetic location: 17p13.1.
Variant type: single nucleotide variant.
Coding change: c.-155T>C on transcript NM_001139.3 (MANE Select); 155 bases upstream of the start codon, T replaced by C.
Molecular consequence: 5 prime UTR variant.
Genome position (GRCh38, 1-based): chr17:8,087,597, A>G on the plus strand (T>C on the coding strand, the complement: ALOX12B is on the minus strand). VCF-style: chr17-8087597-A-G. GRCh37 (hg19) VCF-style: chr17-7990915-A-G.
Other names: c.-155T>C (LRG_1264t1).
Identifiers: ClinVar variation 325934 (VCV000325934.9), dbSNP rs2278635, ClinGen allele CA10647108.
Genomic context (GRCh38, chr17:8,087,597, plus strand): 5'-AGTGGAGTGGACAGGGCTGGCCTCCGAGGTGCAGTGGTGAGGTGGCGAGGTGGGGTGACT[A>G]GGCCTGCCAGCCAAATTCTGGAAAAGCTGCTGCCCTTGGTGGCCGGGGTGGGTGCCGGGC-3'